The following is an entry in ClinVar:

ClinVar aggregate classification (germline): Likely pathogenic (1 of 4 stars; one submission).

Conditions:
BHLHE22-related disorder.

Submission:

Sherr lab, University of California San Francisco
Classification: Likely pathogenic for BHLHE22-related disorder. Last evaluated: 2026-03-30. Review status: criteria provided, single submitter. Criteria: Le et al. (medRxiv. 2024). Collection method: clinical testing. Allele origin: de novo. Inheritance: Autosomal dominant inheritance. Affected: yes. Observed: 1 variant allele, 1 heterozygote.
Comment: It is absent from population databases, arguing against a benign polymorphism. The affected residue lies within a highly conserved functional domain, suggesting that amino acid substitution is likely to impact protein function. Finally, the patient’s phenotype, is consistent with the disease spectrum observed in another individual with similar variants (p.Ala289Gly). Together, these data support a likely pathogenic interpretation.

NM_152414.5(BHLHE22):c.785T>C (p.Leu262Pro)

Genes: BHLHE22 (basic helix-loop-helix family member e22; plus strand), BHLHE22-AS1 (BHLHE22 antisense RNA 1; minus strand). Cytogenetic location: 8q12.3.
Variant type: single nucleotide variant.
Coding change: c.785T>C on transcript NM_152414.5 (MANE Select); coding-DNA position 785, T replaced by C.
Protein change: p.Leu262Pro; replaces leucine 262 with proline.
Molecular consequence: missense variant.
Genome position (GRCh38, 1-based): chr8:64,581,575, T>C. VCF-style: chr8-64581575-T-C. GRCh37 (hg19) VCF-style: chr8-65494132-T-C.
Other names: short protein forms L262P.
Identifiers: ClinVar variation 4823900 (VCV004823900.1).
Genomic context (GRCh38, chr8:64,581,575, plus strand): 5'-CGCTGCGGCTTAACATCAATGCCCGAGAGCGCCGGCGGATGCACGACCTGAACGACGCGC[T>C]GGACGAGCTGCGCGCGGTGATCCCCTACGCGCACAGCCCCTCGGTGCGAAAGCTCTCCAA-3'
Protein context (NP_689627.1, residues 252-272): RRRMHDLNDA[Leu262Pro]DELRAVIPYA